The following is an entry in ClinVar:

ClinVar aggregate classification (germline): Uncertain significance (1 of 4 stars; one submission).

Conditions:
Familial renal glucosuria (GLYS). Also called: RENAL GLUCOSURIA, AUTOSOMAL DOMINANT; Familial renal glycosuria. Identifiers: Orphanet 69076, MedGen C3245525, MONDO:0009297, OMIM 233100.

Submission:

Victorian Clinical Genetics Services, Murdoch Childrens Research Institute
Classification: Uncertain significance for Familial renal glucosuria. Last evaluated: 2023-07-17. Review status: criteria provided, single submitter. Criteria: ACMG Guidelines, 2015. Collection method: clinical testing. Allele origin: germline. Affected: yes.
Comment: Based on the classification scheme VCGS_Germline_v1.3.4, this variant is classified as VUS-3A. Following criteria are met: 0102 - Loss of function is a known mechanism of disease in this gene and is associated with renal glucosuria (MIM#233100). (I) 0108 - This gene is associated with both recessive and dominant disease. Variants in this gene have been reported to cause both dominant and recessive disease, with recessive disease being more severe and with early onset (OMIM, PMID: 22314875, 28365451, 24908283). (I) 0112 - The dominant condition associated with this gene has incomplete penetrance. The same variants have been reported as heterozygous in both affected and unaffected individuals (PMID: 28365451, 21165652). (I) 0212 - Non-canonical splice site variant without proven consequence on splicing (no functional evidence available). (SP) 0251 - This variant is heterozygous. (I) 0304 - Variant is present in gnomAD (v2) <0.01 (1 heterozygote, 0 homozygotes). (SP) 0508 - In silico predictions for abnormal splicing are conflicting. (I) 0705 - No comparable splice site variants have previous evidence for pathogenicity. (I) 0807 - This variant has no previous evidence of pathogenicity. (I) 0905 - No published segregation evidence has been identified for this variant. (I) 1007 - No published functional evidence has been identified for this variant. (I) 1101 - Very strong and specific phenotype match for this individual. (SP) 1208 - Inheritance information for this variant is not currently available in this individual. (I) Legend: (SP) - Supporting pathogenic, (I) - Information, (SB) - Supporting benign

Literature cited by the submitters: PubMed 21165652; PubMed 22314875; PubMed 24908283; PubMed 28365451.

NM_003041.4(SLC5A2):c.1449+5G>C

Gene: SLC5A2 (solute carrier family 5 member 2; plus strand). Cytogenetic location: 16p11.2.
Variant type: single nucleotide variant.
Coding change: c.1449+5G>C on transcript NM_003041.4 (MANE Select); 5 bases into the intron after coding-DNA position 1449, G replaced by C.
Molecular consequence: intron variant.
Genome position (GRCh38, 1-based): chr16:31,489,053, G>C. VCF-style: chr16-31489053-G-C. GRCh37 (hg19) VCF-style: chr16-31500374-G-C.
Identifiers: ClinVar variation 3376922 (VCV003376922.1).